The following is an entry in ClinVar:

NM_004959.5(NR5A1):c.380_870+39del

Gene: NR5A1 (nuclear receptor subfamily 5 group A member 1; minus strand). Cytogenetic location: 9q33.3.
Variant type: Deletion.
Coding change: c.380_870+39del on transcript NM_004959.5 (MANE Select); coding-DNA position 380 through 39 bases into the intron after coding-DNA position 870, 530 bases deleted.
Molecular consequence: splice donor variant.
Genome position (GRCh38, 1-based): chr9:124,500,051-124,500,580, 530 bases deleted. GRCh37 (hg19): chr9:127,262,334-127,262,863.
Identifiers: ClinVar variation 4786483 (VCV004786483.1).

ClinVar aggregate classification (germline): Likely pathogenic (1 of 4 stars; one submission).

Conditions:
46 XY differences of sex development. Also called: 46, XY disorder of sex development (DSD); 46,XY disorder of sex development. Identifiers: Orphanet 98085, MedGen C2751824, MONDO:0020040.
Oligosynaptic infertility (SPGF1). Also called: SPERMATOGENIC FAILURE 1; OLIGOCHIASMATIC INFERTILITY. Identifiers: MedGen C0403810, MONDO:0009776, OMIM 258150.

Submission:

Labcorp Genetics (formerly Invitae), Labcorp
Classification: Likely pathogenic for 46 XY differences of sex development; Oligosynaptic infertility. Last evaluated: 2025-10-21. Review status: criteria provided, single submitter. Criteria: Invitae Variant Classification Sherloc (09022015). Collection method: clinical testing. Allele origin: germline.
Comment: This variant results in the deletion of part of exon 4 (c.380_870+39del) of the NR5A1 gene. It is expected to disrupt RNA splicing. Variants that disrupt the donor or acceptor splice site typically lead to a loss of protein function (PMID: 16199547), and loss-of-function variants in NR5A1 are known to be pathogenic (PMID: 10369247, 12907682, 19246354). This variant is not present in population databases (gnomAD no frequency). This variant has not been reported in the literature in individuals affected with NR5A1-related conditions. In summary, the currently available evidence indicates that the variant is pathogenic, but additional data are needed to prove that conclusively. Therefore, this variant has been classified as Likely Pathogenic.

Literature cited by the submitters: PubMed 16199547; PubMed 10369247; PubMed 12907682; PubMed 19246354.